The following is an entry in ClinVar:

NM_001378457.1(DMXL2):c.3667A>C (p.Lys1223Gln)

Gene: DMXL2 (Dmx like 2; minus strand). Cytogenetic location: 15q21.2.
Variant type: single nucleotide variant.
Coding change: c.3667A>C on transcript NM_001378457.1 (MANE Select); coding-DNA position 3667, A replaced by C.
Protein change: p.Lys1223Gln; replaces lysine 1223 with glutamine.
Molecular consequence: missense variant. On other transcripts: non-coding transcript variant (2), intron variant (2).
Genome position (GRCh38, 1-based): chr15:51,499,557, T>G on the plus strand (A>C on the coding strand, the complement: DMXL2 is on the minus strand). VCF-style: chr15-51499557-T-G. GRCh37 (hg19) VCF-style: chr15-51791754-T-G.
Other names: c.3667A>C, p.Lys1223Gln (NM_001174116.3, NM_001378458.1, NM_001378459.1 and 4 more transcripts); c.3427A>C, p.Lys1143Gln (NM_001378464.1); c.2764+7577A>C (NM_001378460.1); c.2765-4423A>C (NM_001174117.3); c.3667A>C (NM_001174116.1); short protein forms K1143Q, K1223Q.
Identifiers: ClinVar variation 1378889 (VCV001378889.7), dbSNP rs781647659, ClinGen allele CA7562137.

ClinVar aggregate classification (germline): Uncertain significance. Review status: criteria provided, multiple submitters, no conflicts (2 of 4 stars). 2 submissions from 2 submitters: Uncertain significance (2). Last evaluated 2023-09-06.

Conditions:
Inborn genetic diseases. Identifiers: MedGen C0950123, MeSH D030342.

Allele frequency attached by ClinVar (database versions not stated): gnomAD exomes 0.00001 and 0.00002; TOPMed 0.00001; ExAC 0.00002.
gnomAD v4.1: 6 of 1,614,158 alleles (0.00037%); highest among the groups gnomAD compares: Admixed American, 0.01%; no homozygotes.

Submissions (2):

Labcorp Genetics (formerly Invitae), Labcorp
Classification: Uncertain significance. Last evaluated: 2023-09-06. Review status: criteria provided, single submitter. Criteria: Invitae Variant Classification Sherloc (09022015). Collection method: clinical testing. Allele origin: germline.
Comment: In summary, the available evidence is currently insufficient to determine the role of this variant in disease. Therefore, it has been classified as a Variant of Uncertain Significance. An algorithm developed to predict the effect of missense changes on protein structure and function (PolyPhen-2) suggests that this variant is likely to be disruptive. ClinVar contains an entry for this variant (Variation ID: 1378889). This variant has not been reported in the literature in individuals affected with DMXL2-related conditions. This variant is present in population databases (rs781647659, gnomAD 0.01%). This sequence change replaces lysine, which is basic and polar, with glutamine, which is neutral and polar, at codon 1223 of the DMXL2 protein (p.Lys1223Gln).

Ambry Genetics
Classification: Uncertain significance for Inborn genetic diseases. Last evaluated: 2021-06-22. Review status: criteria provided, single submitter. Criteria: Ambry Variant Classification Scheme 2023. Collection method: clinical testing. Allele origin: germline.